The following is an entry in ClinVar:

ClinVar aggregate classification (germline): Uncertain significance (1 of 4 stars; one submission).

Allele frequency attached by ClinVar (database versions not stated): gnomAD 0.00001.
gnomAD v4.1: 38 of 1,560,102 alleles (0.0024%); highest among the groups gnomAD compares: East Asian, 0.0076%; no homozygotes.

Submission:

Labcorp Genetics (formerly Invitae), Labcorp
Classification: Uncertain significance. Last evaluated: 2026-01-27. Review status: criteria provided, single submitter. Criteria: Invitae Variant Classification Sherloc (09022015). Collection method: clinical testing. Allele origin: germline.
Comment: This sequence change replaces alanine, which is neutral and non-polar, with threonine, which is neutral and polar, at codon 79 of the MYH3 protein (p.Ala79Thr). This variant is present in population databases (rs763858044, gnomAD 0.01%). This variant has not been reported in the literature in individuals affected with MYH3-related conditions. ClinVar contains an entry for this variant (Variation ID: 3011791). Invitae Evidence Modeling of protein sequence and biophysical properties (such as structural, functional, and spatial information, amino acid conservation, physicochemical variation, residue mobility, and thermodynamic stability) indicates that this missense variant is not expected to disrupt MYH3 protein function with a negative predictive value of 95%. In summary, the available evidence is currently insufficient to determine the role of this variant in disease. Therefore, it has been classified as a Variant of Uncertain Significance.

NM_002470.4(MYH3):c.235G>A (p.Ala79Thr)

Gene: MYH3 (myosin heavy chain 3; minus strand). Cytogenetic location: 17p13.1.
Variant type: single nucleotide variant.
Coding change: c.235G>A on transcript NM_002470.4 (MANE Select); coding-DNA position 235, G replaced by A.
Protein change: p.Ala79Thr; replaces alanine 79 with threonine.
Molecular consequence: missense variant.
Genome position (GRCh38, 1-based): chr17:10,652,533, C>T on the plus strand (G>A on the coding strand, the complement: MYH3 is on the minus strand). VCF-style: chr17-10652533-C-T. GRCh37 (hg19) VCF-style: chr17-10555850-C-T.
Other names: short protein forms A79T.
Identifiers: ClinVar variation 3011791 (VCV003011791.3), dbSNP rs763858044, ClinGen allele CA8393368.